The following is an entry in ClinVar:

ClinVar aggregate classification (germline): Likely pathogenic (1 of 4 stars; one submission).

Submission:

Genetics Laboratory, UDIAT-Centre Diagnòstic, Hospital Universitari Parc Tauli
Classification: Likely pathogenic. Last evaluated: 2021-04-26. Review status: criteria provided, single submitter. Criteria: Parc Tauli Hospital Assertion Criteria 2021. Collection method: clinical testing. Allele origin: de novo. Inheritance: Autosomal dominant inheritance. Affected: yes. Observed: 1 heterozygote.
Comment: PM1_moderate;PM2_supporting;PM5_moderate;PM6_moderate;PP2_supporting;PP3_supporting

NM_001197104.2(KMT2A):c.3472T>C (p.Cys1158Arg)

Gene: KMT2A (lysine methyltransferase 2A; plus strand). Cytogenetic location: 11q23.3.
Variant type: single nucleotide variant.
Coding change: c.3472T>C on transcript NM_001197104.2 (MANE Select); coding-DNA position 3472, T replaced by C.
Protein change: p.Cys1158Arg; replaces cysteine 1158 with arginine.
Molecular consequence: missense variant.
Genome position (GRCh38, 1-based): chr11:118,478,104, T>C. VCF-style: chr11-118478104-T-C. GRCh37 (hg19) VCF-style: chr11-118348819-T-C.
Other names: c.3472T>C, p.Cys1158Arg (NM_005933.4); short protein forms C1158R.
Identifiers: ClinVar variation 1098316 (VCV001098316.2), dbSNP rs2134287093, ClinGen allele CA382824830.
Genomic context (GRCh38, chr11:118,478,104, plus strand): 5'-AACAAGGCACCCCAGGAACCTCCAGTAAAGAAAGGACGTCGATCGAGGCGGTGTGGGCAG[T>C]GTCCCGGCTGCCAGGTGCCTGAGGACTGTGGTGTTTGTACTAATTGCTTAGATAAGCCCA-3'
Protein context (NP_001184033.1, residues 1148-1168): KGRRSRRCGQ[Cys1158Arg]PGCQVPEDCG